The following is an entry in ClinVar:

NM_001148.6(ANK2):c.1387-116T>G

Gene: ANK2 (ankyrin 2; plus strand). Cytogenetic location: 4q26.
Variant type: single nucleotide variant.
Coding change: c.1387-116T>G on transcript NM_001148.6 (MANE Select); 116 bases into the intron before coding-DNA position 1387, T replaced by G.
Molecular consequence: intron variant.
Genome position (GRCh38, 1-based): chr4:113,264,781, T>G. VCF-style: chr4-113264781-T-G. GRCh37 (hg19) VCF-style: chr4-114185937-T-G.
Other names: c.1375-116T>G (NM_001386186.2, NM_001386148.2); c.1177-116T>G (NM_001354269.3); c.1351-116T>G (NM_001386187.2); c.1345-116T>G (NM_001386147.1, NM_001386160.1, NM_001354261.2); c.1324-116T>G (NM_001354254.2, NM_001354239.2, NM_001354252.2 and 14 more transcripts); c.1300-116T>G (NM_001354249.2, NM_001354266.2, NM_001354276.2 and 13 more transcripts); c.1102-116T>G (NM_001386157.1, NM_001354277.2, NM_001386158.1); c.1432-116T>G (NM_001354241.2, NM_001386152.1, NM_001354237.2 and 5 more transcripts); and 4 more.
Identifiers: ClinVar variation 673564 (VCV000673564.2), dbSNP rs29414, ClinGen allele CA103811125.

ClinVar aggregate classification (germline): Benign. Review status: criteria provided, multiple submitters, no conflicts (2 of 4 stars). 2 submissions from 2 submitters: Benign (2). Last evaluated 2018-06-14.

Allele frequency attached by ClinVar (database versions not stated): gnomAD 0.04844 and 0.05237; 1000 Genomes Project 0.05072; TOPMed 0.05431; 1000 Genomes Project 30x 0.05434.
gnomAD v4.1: 12,071 of 989,810 alleles (1.2%); highest among the groups gnomAD compares: African/African-American, 17%; 895 homozygotes.

Submissions (2):

GeneDx
Classification: Benign. Last evaluated: 2018-06-14. Review status: criteria provided, single submitter. Criteria: GeneDx Variant Classification (06012015). Collection method: clinical testing. Allele origin: germline. Affected: yes.
Comment: This variant is considered likely benign or benign based on one or more of the following criteria: it is a conservative change, it occurs at a poorly conserved position in the protein, it is predicted to be benign by multiple in silico algorithms, and/or has population frequency not consistent with disease.

Breakthrough Genomics
Classification: Benign. Review status: criteria provided, single submitter. Criteria: ACMG Guidelines, 2015. Collection method: not provided. Allele origin: germline. Inheritance: Autosomal dominant inheritance. Affected: yes.